The following is an entry in ClinVar:

NM_018451.5(CPAP):c.3682del (p.His1228fs)

Genes: RNF17 (ring finger protein 17; plus strand), CPAP (centrosome assembly and centriole elongation protein; minus strand). Cytogenetic location: 13q12.12.
Variant type: Deletion.
Coding change: c.3682del on transcript NM_018451.5 (MANE Select); coding-DNA position 3682, one base deleted (C; older notation c.3682delC).
Protein change: p.His1228fs; shifts the reading frame from histidine 1228.
Molecular consequence: frameshift variant. On other transcripts: non-coding transcript variant (2).
Genome position (GRCh38, 1-based): chr13:24,884,182, G deleted on the plus strand (C on the coding strand, the reverse complement: CPAP is on the minus strand). VCF-style (leftmost placement, unchanged base first): chr13-24884181-TG-T. GRCh37 (hg19) VCF-style: chr13-25458319-TG-T.
Other names: short protein forms H1228fs.
Identifiers: ClinVar variation 3661127 (VCV003661127.2).

ClinVar aggregate classification (germline): Pathogenic (1 of 4 stars; one submission).

Submission:

Labcorp Genetics (formerly Invitae), Labcorp
Classification: Pathogenic. Last evaluated: 2024-07-31. Review status: criteria provided, single submitter. Criteria: Invitae Variant Classification Sherloc (09022015). Collection method: clinical testing. Allele origin: germline.
Comment: This sequence change creates a premature translational stop signal (p.His1228Ilefs*7) in the CENPJ gene. It is expected to result in an absent or disrupted protein product. Loss-of-function variants in CENPJ are known to be pathogenic (PMID: 15793586, 16900296, 20522431). This variant is present in population databases (no rsID available, gnomAD 0.007%). This variant has not been reported in the literature in individuals affected with CENPJ-related conditions. For these reasons, this variant has been classified as Pathogenic.

Literature cited by the submitters: PubMed 15793586; PubMed 16900296; PubMed 20522431.